The following continues an entry in ClinVar:

NM_000256.3(MYBPC3):c.772G>A (p.Glu258Lys)

Gene: MYBPC3. ClinVar aggregate classification (germline): Pathogenic/Likely pathogenic. Pathogenic (35); Likely pathogenic (1).

Submissions 34 to 40 of 40:

Clinical Genetics Service, Universitary Hospital 12 de Octubre
Classification: Pathogenic for Hypertrophic cardiomyopathy 4. Review status: criteria provided, single submitter. Criteria: ACMG Guidelines, 2015. Collection method: clinical testing. Allele origin: germline. Affected: yes.

Juno Genomics, Hangzhou Juno Genomics, Inc
Classification: Pathogenic for Left ventricular noncompaction 10; Hypertrophic cardiomyopathy 4. Review status: criteria provided, single submitter. Criteria: ACMG Guidelines, 2015. Collection method: clinical testing. Allele origin: germline. Affected: yes.
Comment: Absent from controls (or at extremely low frequency if recessive) in Genome Aggregation Database.;The prevalence of the variant in affected individuals is significantly increased compared to the prevalence in controls.;Well-established in vitro or in vivo functional studies supportive of a damaging effect on the gene or gene product.;Co-segregation with disease in multiple affected family members.

Laboratory of Genetics and Molecular Cardiology, University of São Paulo
Classification: Likely pathogenic for Hypertrophic cardiomyopathy 4. Review status: criteria provided, single submitter. Criteria: LGCM Criteria August 2015. Collection method: clinical testing. Allele origin: germline. Inheritance: Autosomal dominant inheritance. Affected: yes. Observed: 2 variant alleles. Study: Sarcomeric Human Cardiomyopathy Registry (ShaRe).

Clinical Genetics Laboratory, University Hospital Schleswig-Holstein
Classification: Pathogenic for Left ventricular noncompaction 10. Last evaluated: 2021-11-02. Review status: no assertion criteria provided. Collection method: clinical testing. Allele origin: germline. Affected: yes. Not counted in ClinVar's aggregate classification.

Diagnostic Laboratory, Department of Genetics, University Medical Center Groningen
Classification: Pathogenic for Hypertrophic cardiomyopathy 4. Review status: no assertion criteria provided. Collection method: clinical testing. Allele origin: germline. Affected: yes. Study: VKGL Data-share Consensus. Not counted in ClinVar's aggregate classification.

Joint Genome Diagnostic Labs from Nijmegen and Maastricht, Radboudumc and MUMC+
Classification: Pathogenic. Review status: no assertion criteria provided. Collection method: clinical testing. Allele origin: germline. Affected: yes. Study: VKGL Data-share Consensus. Not counted in ClinVar's aggregate classification.

Zaffran Lab, Genetics of Cardiac Diseases Laboratory, Marseille Medical Genetics
Classification: Uncertain significance for hypertrophic cardiomyopathy. Review status: no assertion criteria provided. Collection method: research. Allele origin: unknown. Affected: yes. Not counted in ClinVar's aggregate classification.

Literature cited by the submitters: PubMed 9562578 (cited by 13 submitters); PubMed 12707239 (cited by 9 submitters); PubMed 15563892 (cited by 9 submitters); PubMed 18533079 (cited by 9 submitters); PubMed 20031602 (cited by 4 submitters); PubMed 22267749 (cited by 4 submitters); PubMed 23233322 (cited by 5 submitters); PubMed 15769446 (cited by 5 submitters); PubMed 19590044 (cited by 8 submitters); PubMed 23980194 (cited by 8 submitters); PubMed 15114369 (cited by 10 submitters); PubMed 19574547 (cited by 7 submitters); PubMed 25031304 (cited by 12 submitters); PubMed 27532257 (cited by 4 submitters); PubMed 30645170 (cited by 4 submitters); PubMed 32841044 (cited by Victorian Clinical Genetics Services, Murdoch Childrens Research Institute); PubMed 16858239 (cited by 9 submitters); PubMed 26869393 (cited by Ambry Genetics); PubMed 20359594 (cited by 4 submitters); PubMed 12951062 (cited by 7 submitters); PubMed 12974739 (cited by 5 submitters); PubMed 14563344 (cited by 4 submitters); PubMed 19808356 (cited by 5 submitters); PubMed 34680864 (cited by All of Us Research Program, National Institutes of Health and Color Diagnostics, LLC DBA Color Health); PubMed 37498360 (cited by All of Us Research Program, National Institutes of Health and Color Diagnostics, LLC DBA Color Health); PubMed 3980194 (cited by Genetics and Molecular Pathology, SA Pathology); PubMed 28679633 (cited by Genetics and Molecular Pathology, SA Pathology); PubMed 34097875 (cited by Genetics and Molecular Pathology, SA Pathology); PubMed 15519027 (cited by 4 submitters); PubMed 20173211 (cited by 3 submitters); PubMed 18957093 (cited by 3 submitters); PubMed 18374358 (cited by 3 submitters); PubMed 17908752 (cited by 3 submitters); PubMed 20159828 (cited by 3 submitters); PubMed 18403758 (cited by Phosphorus, Inc.); PubMed 18414213 (cited by Phosphorus, Inc.); PubMed 21835320 (cited by Phosphorus, Inc.); PubMed 22907696 (cited by Phosphorus, Inc. and Agnes Ginges Centre for Molecular Cardiology, Centenary Institute); PubMed 23054336 (cited by Phosphorus, Inc.); PubMed 23283745 (cited by Phosphorus, Inc.); PubMed 23782526 (cited by Phosphorus, Inc. and Agnes Ginges Centre for Molecular Cardiology, Centenary Institute); PubMed 24510615 (cited by Phosphorus, Inc.); PubMed 24793961 (cited by Phosphorus, Inc.); PubMed 25611685 (cited by Phosphorus, Inc.); PubMed 25971843 (cited by Phosphorus, Inc.); PubMed 397516074 (cited by Phosphorus, Inc.); PubMed 22563033 (cited by Agnes Ginges Centre for Molecular Cardiology, Centenary Institute); PubMed 20414521 (cited by Agnes Ginges Centre for Molecular Cardiology, Centenary Institute); PubMed 23527136 (cited by Agnes Ginges Centre for Molecular Cardiology, Centenary Institute); PubMed 23690394 (cited by Agnes Ginges Centre for Molecular Cardiology, Centenary Institute); PubMed 24865491 (cited by Agnes Ginges Centre for Molecular Cardiology, Centenary Institute).